The following is an entry in ClinVar:

ClinVar aggregate classification (germline): Likely pathogenic (1 of 4 stars; one submission).

Conditions:
Peroxisome biogenesis disorder. Identifiers: Orphanet 79189, MedGen C1832200, MONDO:0019234. Disease mechanism: loss of function.

Submission:

Myriad Genetics, Inc.
Classification: Likely pathogenic for Peroxisome biogenesis disorder. Last evaluated: 2022-01-02. Review status: criteria provided, single submitter. Criteria: Myriad Autosomal Dominant, Autosomal Recessive and X-Linked Classification Criteria (2023). Collection method: clinical testing. Allele origin: unknown.
Comment: NM_000466.2(PEX1):c.1876A>T(R626*) is expected to be pathogenic in the context of peroxisome biogenesis disorder type 1. This variant is predicted to lead to an abnormal or absent protein product due to the creation of a premature termination codon in PEX1, a gene where loss-of-function variants are known to be pathogenic. Please note: this variant was assessed in the context of healthy population screening.

NM_000466.3(PEX1):c.1876A>T (p.Arg626Ter)

Gene: PEX1 (peroxisomal biogenesis factor 1; minus strand). Cytogenetic location: 7q21.2.
Variant type: single nucleotide variant.
Coding change: c.1876A>T on transcript NM_000466.3 (MANE Select); coding-DNA position 1876, A replaced by T.
Protein change: p.Arg626Ter; replaces arginine 626 with a stop codon.
Molecular consequence: nonsense.
Genome position (GRCh38, 1-based): chr7:92,506,272, T>A on the plus strand (A>T on the coding strand, the complement: PEX1 is on the minus strand). VCF-style: chr7-92506272-T-A. GRCh37 (hg19) VCF-style: chr7-92135586-T-A.
Other names: c.1876A>T, p.Arg626Ter (NM_001282677.2); c.1252A>T, p.Arg418Ter (NM_001282678.2); short protein forms R418*, R626*.
Identifiers: ClinVar variation 1726874 (VCV001726874.3), dbSNP rs2484673420, ClinGen allele CA368184726.